The following is an entry in ClinVar:

NM_001006630.2(CHRM2):c.1050A>G (p.Ser350=)

Genes: CHRM2 (cholinergic receptor muscarinic 2; plus strand), LOC349160 (uncharacterized LOC349160; minus strand). Cytogenetic location: 7q33.
Variant type: single nucleotide variant.
Coding change: c.1050A>G on transcript NM_001006630.2 (MANE Select); coding-DNA position 1050, A replaced by G.
Protein change: p.Ser350=; no amino-acid change (serine 350 retained).
Molecular consequence: synonymous variant.
Genome position (GRCh38, 1-based): chr7:137,015,915, A>G. VCF-style: chr7-137015915-A-G. GRCh37 (hg19) VCF-style: chr7-136700662-A-G.
Other names: c.1050A>G, p.Ser350= (NM_000739.3, NM_001006626.3, NM_001006627.3 and 6 more transcripts).
Identifiers: ClinVar variation 226513 (VCV000226513.17), dbSNP rs60372903, ClinGen allele CA4500611.
Genomic context (GRCh38, chr7:137,015,915, plus strand): 5'-GACCCCAAAAAGTGACTCATGTACCCCAACTAATACCACCGTGGAGGTAGTGGGGTCTTC[A>G]GGTCAGAATGGAGATGAAAAGCAGAATATTGTAGCCCGCAAGATTGTGAAGATGACTAAG-3'
Protein context (NP_001006631.1, residues 340-360): TNTTVEVVGS[Ser350=]GQNGDEKQNI

ClinVar aggregate classification (germline): Benign. Review status: criteria provided, multiple submitters, no conflicts (2 of 4 stars). 3 submissions from 3 submitters: Benign (3). Last evaluated 2026-01-25.

Allele frequency attached by ClinVar (database versions not stated): ExAC 0.00269; gnomAD 0.00122 and 0.00070; 1000 Genomes Project 30x 0.00640; TOPMed 0.00100; gnomAD exomes 0.00153 and 0.00258; 1000 Genomes Project 0.00699.
gnomAD v4.1: 2,391 of 1,613,150 alleles (0.15%); highest among the groups gnomAD compares: East Asian, 5%; 69 homozygotes.

Submissions (3):

Labcorp Genetics (formerly Invitae), Labcorp
Classification: Benign. Last evaluated: 2026-01-25. Review status: criteria provided, single submitter. Criteria: Invitae Variant Classification Sherloc (09022015). Collection method: clinical testing. Allele origin: germline.

GeneDx
Classification: Benign. Last evaluated: 2018-11-12. Review status: criteria provided, single submitter. Criteria: GeneDx Variant Classification Process June 2021. Collection method: clinical testing. Allele origin: germline. Affected: yes.

Laboratory for Molecular Medicine, Mass General Brigham Personalized Medicine
Classification: Benign. Last evaluated: 2014-11-24. Review status: criteria provided, single submitter. Criteria: LMM Criteria. Collection method: clinical testing. Allele origin: germline. Observed: 3 variant alleles.
Comment: Ser350Ser in exon 5 of CHRM2: This variant is not expected to have clinical sign ificance because it does not alter an amino acid residue and is not located with in the splice consensus sequence. It has been identified in 6.2% (11/178) of Jap anese chromosomes from a broad population by the 1000 Genomes Project (w.; dbSNP rs60372903).